The following is an entry in ClinVar:

ClinVar aggregate classification (germline): Uncertain significance (1 of 4 stars; one submission).

Conditions:
Hereditary cancer-predisposing syndrome. Also called: Neoplastic Syndromes, Hereditary; Tumor predisposition; Hereditary Cancer Syndrome; Hereditary neoplastic syndrome. Identifiers: Orphanet 140162, MedGen C0027672, MeSH D009386, MONDO:0015356.

Submission:

Ambry Genetics
Classification: Uncertain significance for Hereditary cancer-predisposing syndrome. Last evaluated: 2026-05-08. Review status: criteria provided, single submitter. Criteria: Ambry Variant Classification Scheme 2023. Collection method: clinical testing. Allele origin: germline.
Comment: The p.V496G variant (also known as c.1487T>G), located in coding exon 11 of the BMPR1A gene, results from a T to G substitution at nucleotide position 1487. The valine at codon 496 is replaced by glycine, an amino acid with dissimilar properties. This amino acid position is not well conserved in available vertebrate species. In addition, the in silico prediction for this alteration is inconclusive. Based on the available evidence, the clinical significance of this variant remains unclear.

NM_004329.3(BMPR1A):c.1487T>G (p.Val496Gly)

Gene: BMPR1A (bone morphogenetic protein receptor type 1A; plus strand). Cytogenetic location: 10q23.2.
Variant type: single nucleotide variant.
Coding change: c.1487T>G on transcript NM_004329.3 (MANE Select); coding-DNA position 1487, T replaced by G.
Protein change: p.Val496Gly; replaces valine 496 with glycine.
Molecular consequence: missense variant. On other transcripts: non-coding transcript variant (3).
Genome position (GRCh38, 1-based): chr10:86,923,607, T>G. VCF-style: chr10-86923607-T-G. GRCh37 (hg19) VCF-style: chr10-88683364-T-G.
Other names: c.1562T>G, p.Val521Gly (NM_001406559.1); c.1535T>G, p.Val512Gly (NM_001406560.1); c.1487T>G, p.Val496Gly (NM_001406561.1, NM_001406562.1, NM_001406563.1 and 19 more transcripts); c.1481T>G, p.Val494Gly (NM_001406583.1); c.1403T>G, p.Val468Gly (NM_001406584.1, NM_001406585.1, NM_001406586.1 and 2 more transcripts); c.1145T>G, p.Val382Gly (NM_001406589.1); short protein forms V382G, V468G, V494G, V496G, V512G, V521G.
Identifiers: ClinVar variation 4867560 (VCV004867560.1).